The following is an entry in ClinVar:

ClinVar aggregate classification (germline): Uncertain significance (1 of 4 stars; one submission).

gnomAD v4.1: 2 of 1,614,058 alleles (0.00012%); highest among the groups gnomAD compares: Non-Finnish European, 0.00017%; no homozygotes.

Submission:

GeneDx
Classification: Uncertain significance. Last evaluated: 2023-11-28. Review status: criteria provided, single submitter. Criteria: GeneDx Variant Classification Process June 2021. Collection method: clinical testing. Allele origin: germline. Affected: yes.
Comment: Not observed at significant frequency in large population cohorts (gnomAD); In silico analysis supports that this missense variant has a deleterious effect on protein structure/function; Has not been previously published as pathogenic or benign to our knowledge

NM_206933.4(USH2A):c.3794C>T (p.Pro1265Leu)

Genes: USH2A (usherin; minus strand), USH2A-AS1 (USH2A antisense RNA 1; plus strand). Cytogenetic location: 1q41.
Variant type: single nucleotide variant.
Coding change: c.3794C>T on transcript NM_206933.4 (MANE Select); coding-DNA position 3794, C replaced by T.
Protein change: p.Pro1265Leu; replaces proline 1265 with leucine.
Molecular consequence: missense variant.
Genome position (GRCh38, 1-based): chr1:216,199,644, G>A on the plus strand (C>T on the coding strand, the complement: USH2A is on the minus strand). VCF-style: chr1-216199644-G-A. GRCh37 (hg19) VCF-style: chr1-216372986-G-A.
Other names: c.3794C>T, p.Pro1265Leu (NM_007123.6); short protein forms P1265L.
Identifiers: ClinVar variation 3364604 (VCV003364604.1).